The following is an entry in ClinVar:

ClinVar aggregate classification (germline): Benign/Likely benign. Review status: criteria provided, multiple submitters, no conflicts (2 of 4 stars). 3 submissions from 3 submitters: Benign (1); Likely benign (2). Last evaluated 2025-07-25.

Allele frequency attached by ClinVar (database versions not stated): ESP Exome Variant Server 0.00008; TOPMed 0.00008; ExAC 0.00009; 1000 Genomes Project 0.00060; 1000 Genomes Project 30x 0.00078.
gnomAD v4.1: 79 of 1,614,048 alleles (0.0049%); highest among the groups gnomAD compares: African/African-American, 0.0067%; no homozygotes.

Submissions (3):

Athena Diagnostics
Classification: Benign. Last evaluated: 2025-07-25. Review status: criteria provided, single submitter. Criteria: Athena Diagnostics Criteria. Collection method: clinical testing. Allele origin: unknown.
Comment: The frequency of this variant in the general population is higher than would generally be expected for pathogenic variants in this gene. Computational tools yielded predictions that this variant is unlikely to have an effect on normal RNA splicing. This nucleotide position exhibits low evolutionary conservation.

Blueprint Genetics
Classification: Likely benign. Last evaluated: 2024-07-15. Review status: criteria provided, single submitter. Criteria: ACMG Guidelines, 2015. Collection method: clinical testing. Allele origin: germline.

CeGaT Center for Human Genetics Tuebingen
Classification: Likely benign. Last evaluated: 2023-01-01. Review status: criteria provided, single submitter. Criteria: CeGaT Center For Human Genetics Tuebingen Variant Classification Criteria Version 2. Collection method: clinical testing. Allele origin: germline. Affected: yes. Observed: 1 variant allele.
Comment: TGM6: BP4, BP7

NM_198994.3(TGM6):c.231G>A (p.Ser77=)

Gene: TGM6 (transglutaminase 6; plus strand). Cytogenetic location: 20p13.
Variant type: single nucleotide variant.
Coding change: c.231G>A on transcript NM_198994.3 (MANE Select); coding-DNA position 231, G replaced by A.
Protein change: p.Ser77=; no amino-acid change (serine 77 retained).
Molecular consequence: synonymous variant.
Genome position (GRCh38, 1-based): chr20:2,395,243, G>A. VCF-style: chr20-2395243-G-A. GRCh37 (hg19) VCF-style: chr20-2375889-G-A.
Other names: c.231G>A (NM_198994.2); c.231G>A, p.Ser77= (NM_001254734.2).
Identifiers: ClinVar variation 2498876 (VCV002498876.29), dbSNP rs139331856, ClinGen allele CA9731593.
Genomic context (GRCh38, chr20:2,395,243, plus strand): 5'-CTCTCCTCCAGGACCCCGGGCTTCTGAGGCCCTCCACACCAAAGCTGTGTTCCAGACATC[G>A]GAGCTGGAGCGGGGTGAGGGCTGGACAGCAGCAAGGGAGGCTCAGATGGAGAAAACTCTG-3'
Protein context (NP_945345.2, residues 67-87): ALHTKAVFQT[Ser77=]ELERGEGWTA